The following is an entry in ClinVar:

ClinVar aggregate classification (germline): Benign/Likely benign. Review status: criteria provided, multiple submitters, no conflicts (2 of 4 stars). 3 submissions from 3 submitters: Benign (2); Likely benign (1). Last evaluated 2026-02-01.

Conditions:
Dermatofibrosis lenticularis disseminata (BOS). Also called: OSTEOPATHIA CONDENSANS DISSEMINATA; DERMATOFIBROSIS LENTICULARIS DISSEMINATA WITH OSTEOPOIKILOSIS; DERMATOOSTEOPOIKILOSIS. Identifiers: Orphanet 1306, MedGen C0265514, MONDO:0008157, OMIM 166700.

Allele frequency attached by ClinVar (database versions not stated): gnomAD 0.00047 and 0.00077; gnomAD exomes 0.00052 and 0.00119; ExAC 0.00126; TOPMed 0.00151; ESP Exome Variant Server 0.00008; 1000 Genomes Project 30x 0.00265; 1000 Genomes Project 0.00319.
gnomAD v4.1: 878 of 1,614,074 alleles (0.054%); highest among the groups gnomAD compares: East Asian, 1.8%; 8 homozygotes.

Submissions (3):

Labcorp Genetics (formerly Invitae), Labcorp
Classification: Benign. Last evaluated: 2026-02-01. Review status: criteria provided, single submitter. Criteria: Invitae Variant Classification Sherloc (09022015). Collection method: clinical testing. Allele origin: germline.

Blueprint Genetics
Classification: Likely benign. Last evaluated: 2024-10-30. Review status: criteria provided, single submitter. Criteria: ACMG Guidelines, 2015. Collection method: clinical testing. Allele origin: germline.

Illumina Laboratory Services, Illumina
Classification: Benign for Dermatofibrosis lenticularis disseminata. Last evaluated: 2018-01-12. Review status: criteria provided, single submitter. Criteria: ICSL Variant Classification Criteria 13 December 2019. Collection method: clinical testing. Allele origin: germline.
Comment: This variant was observed in the ICSL laboratory as part of a predisposition screen in an ostensibly healthy population. It had not been previously curated by ICSL or reported in the Human Gene Mutation Database (HGMD: prior to June 1st, 2018), and was therefore a candidate for classification through an automated scoring system. Utilizing variant allele frequency, disease prevalence and penetrance estimates, and inheritance mode, an automated score was calculated to assess if this variant is too frequent to cause the disease. Based on the score and internal cut-off values, a variant classified as benign is not then subjected to further curation. The score for this variant resulted in a classification of benign for this disease.

NM_014319.5(LEMD3):c.948C>T (p.Leu316=)

Gene: LEMD3 (LEM domain containing 3; plus strand). Cytogenetic location: 12q14.3.
Variant type: single nucleotide variant.
Coding change: c.948C>T on transcript NM_014319.5 (MANE Select); coding-DNA position 948, C replaced by T.
Protein change: p.Leu316=; no amino-acid change (leucine 316 retained).
Molecular consequence: synonymous variant.
Genome position (GRCh38, 1-based): chr12:65,170,544, C>T. VCF-style: chr12-65170544-C-T. GRCh37 (hg19) VCF-style: chr12-65564324-C-T.
Other names: c.948C>T, p.Leu316= (NM_001167614.2).
Identifiers: ClinVar variation 310229 (VCV000310229.14), dbSNP rs183253527, ClinGen allele CA6670809.